The following is an entry in ClinVar:

NM_001267550.2(TTN):c.104990T>C (p.Leu34997Pro)

Genes: TTN (titin; minus strand), TTN-AS1 (TTN antisense RNA 1; plus strand). Cytogenetic location: 2q31.2.
Variant type: single nucleotide variant.
Coding change: c.104990T>C on transcript NM_001267550.2 (MANE Select); coding-DNA position 104990, T replaced by C.
Protein change: p.Leu34997Pro; replaces leucine 34997 with proline.
Molecular consequence: missense variant.
Genome position (GRCh38, 1-based): chr2:178,531,625, A>G on the plus strand (T>C on the coding strand, the complement: TTN is on the minus strand). VCF-style: chr2-178531625-A-G. GRCh37 (hg19) VCF-style: chr2-179396352-A-G.
Other names: c.97286T>C, p.Leu32429Pro (NM_133378.4); c.78170T>C, p.Leu26057Pro (NM_133432.3); c.78371T>C, p.Leu26124Pro (NM_133437.4); c.100067T>C, p.Leu33356Pro (NM_001256850.1); c.77795T>C, p.Leu25932Pro (NM_003319.4); short protein forms L25932P, L26057P, L26124P, L32429P, L33356P, L34997P.
Identifiers: ClinVar variation 3757384 (VCV003757384.2).
Genomic context (GRCh38, chr2:178,531,625, plus strand): 5'-GTGCACACAGCACGGTAGGTTCCACTGTCATCAGTATGACAGTCCAGAATTTCCAGGGTG[A>G]GGACTCCACTCGTGTTGGTGTAATGAATCTTACTGCTTTCTTGGAGTTCCACACCATTGT-3'
Protein context (NP_001254479.2, residues 34987-35007): KIHYTNTSGV[Leu34997Pro]TLEILDCHTD

ClinVar aggregate classification (germline): Uncertain significance (1 of 4 stars; one submission).

Conditions:
Dilated cardiomyopathy 1G (CMD1G). Identifiers: Orphanet 154, MedGen C1858763, MONDO:0011400, OMIM 604145.
Autosomal recessive limb-girdle muscular dystrophy type 2J (LGMDR10). Also called: Limb-girdle muscular dystrophy, type 2J; MUSCULAR DYSTROPHY, LIMB-GIRDLE, AUTOSOMAL RECESSIVE 10. Identifiers: Orphanet 140922, MedGen C1837342, MONDO:0012127, OMIM 608807.

Submission:

Labcorp Genetics (formerly Invitae), Labcorp
Classification: Uncertain significance for Dilated cardiomyopathy 1G; Autosomal recessive limb-girdle muscular dystrophy type 2J. Last evaluated: 2024-07-24. Review status: criteria provided, single submitter. Criteria: Invitae Variant Classification Sherloc (09022015). Collection method: clinical testing. Allele origin: germline.
Comment: This sequence change replaces leucine, which is neutral and non-polar, with proline, which is neutral and non-polar, at codon 34997 of the TTN protein (p.Leu34997Pro). This variant is not present in population databases (gnomAD no frequency). This variant has not been reported in the literature in individuals affected with TTN-related conditions. Experimental studies and prediction algorithms are not available or were not evaluated, and the functional significance of this variant is currently unknown. This variant is located in the M band of TTN (PMID: 25589632). Non-truncating variants in this region may be relevant for neuromuscular disorders, but have not been definitively shown to cause cardiomyopathy (PMID: 23975875). In summary, the available evidence is currently insufficient to determine the role of this variant in disease. Therefore, it has been classified as a Variant of Uncertain Significance.

Literature cited by the submitters: PubMed 25589632; PubMed 23975875.